The following is an entry in ClinVar:

NM_001013838.3(CARMIL2):c.2515G>A (p.Val839Ile)

Gene: CARMIL2 (capping protein regulator and myosin 1 linker 2; plus strand). Cytogenetic location: 16q22.1.
Variant type: single nucleotide variant.
Coding change: c.2515G>A on transcript NM_001013838.3 (MANE Select); coding-DNA position 2515, G replaced by A.
Protein change: p.Val839Ile; replaces valine 839 with isoleucine.
Molecular consequence: missense variant.
Genome position (GRCh38, 1-based): chr16:67,651,772, G>A. VCF-style: chr16-67651772-G-A. GRCh37 (hg19) VCF-style: chr16-67685675-G-A.
Other names: c.2407G>A, p.Val803Ile (NM_001317026.3); short protein forms V803I, V839I.
Identifiers: ClinVar variation 1954000 (VCV001954000.5), dbSNP rs757009600, ClinGen allele CA8113803.

ClinVar aggregate classification (germline): Uncertain significance (1 of 4 stars; one submission).

Allele frequency attached by ClinVar (database versions not stated): TOPMed below 0.00001; ExAC 0.00001; gnomAD 0.00001; gnomAD exomes 0.00001.
gnomAD v4.1: 5 of 1,606,852 alleles (0.00031%); highest among the groups gnomAD compares: Admixed American, 0.0051%; no homozygotes.

Submission:

Labcorp Genetics (formerly Invitae), Labcorp
Classification: Uncertain significance. Last evaluated: 2022-06-30. Review status: criteria provided, single submitter. Criteria: Invitae Variant Classification Sherloc (09022015). Collection method: clinical testing. Allele origin: germline.
Comment: This variant has not been reported in the literature in individuals affected with CARMIL2-related conditions. This sequence change replaces valine, which is neutral and non-polar, with isoleucine, which is neutral and non-polar, at codon 839 of the CARMIL2 protein (p.Val839Ile). This variant is present in population databases (rs757009600, gnomAD 0.009%). Algorithms developed to predict the effect of missense changes on protein structure and function output the following: SIFT: "Tolerated"; PolyPhen-2: "Benign"; Align-GVGD: "Class C0". The isoleucine amino acid residue is found in multiple mammalian species, which suggests that this missense change does not adversely affect protein function. In summary, the available evidence is currently insufficient to determine the role of this variant in disease. Therefore, it has been classified as a Variant of Uncertain Significance.